The following is an entry in ClinVar:

ClinVar aggregate classification (germline): Uncertain significance (1 of 4 stars; one submission).

Submission:

Labcorp Genetics (formerly Invitae), Labcorp
Classification: Uncertain significance. Last evaluated: 2024-09-11. Review status: criteria provided, single submitter. Criteria: Invitae Variant Classification Sherloc (09022015). Collection method: clinical testing. Allele origin: germline.
Comment: This sequence change affects an acceptor splice site in intron 12 of the CD46 gene. While this variant is not anticipated to result in nonsense mediated decay, it likely alters RNA splicing and results in a disrupted protein product. This variant is not present in population databases (gnomAD no frequency). This variant has not been reported in the literature in individuals affected with CD46-related conditions. Variants that disrupt the consensus splice site are a relatively common cause of aberrant splicing (PMID: 17576681, 9536098). Algorithms developed to predict the effect of sequence changes on RNA splicing suggest that this variant may disrupt the consensus splice site. In summary, the available evidence is currently insufficient to determine the role of this variant in disease. Therefore, it has been classified as a Variant of Uncertain Significance.

Literature cited by the submitters: PubMed 17576681; PubMed 9536098.

NM_172351.3(CD46):c.1083-2A>T

Gene: CD46 (CD46 molecule; plus strand). Cytogenetic location: 1q32.2.
Variant type: single nucleotide variant.
Coding change: c.1083-2A>T on transcript NM_172351.3 (MANE Select); the canonical splice acceptor site of the intron before coding-DNA position 1083, A replaced by T.
Molecular consequence: splice acceptor variant. On other transcripts: intron variant (7).
Genome position (GRCh38, 1-based): chr1:207,790,251, A>T. VCF-style: chr1-207790251-A-T. GRCh37 (hg19) VCF-style: chr1-207963596-A-T.
Other names: c.1128-2A>T (NM_002389.4); c.1128-3268A>T (NM_172359.3); c.1083-3268A>T (NM_153826.4); c.1046-3268A>T (NM_172358.3); c.1041-2A>T (NM_172355.3); c.1041-3268A>T (NM_172356.3); c.1038-2A>T (NM_172352.3); c.1038-3268A>T (NM_172353.3); and 3 more.
Identifiers: ClinVar variation 3618409 (VCV003618409.2).